The following is an entry in ClinVar:

NM_001164508.2(NEB):c.9820G>A (p.Val3274Ile)

Gene: NEB (nebulin; minus strand). Cytogenetic location: 2q23.3.
Variant type: single nucleotide variant.
Coding change: c.9820G>A on transcript NM_001164508.2 (MANE Select); coding-DNA position 9820, G replaced by A.
Protein change: p.Val3274Ile; replaces valine 3274 with isoleucine.
Molecular consequence: missense variant.
Genome position (GRCh38, 1-based): chr2:151,629,550, C>T on the plus strand (G>A on the coding strand, the complement: NEB is on the minus strand). VCF-style: chr2-151629550-C-T. GRCh37 (hg19) VCF-style: chr2-152486064-C-T.
Other names: p.Val3274Ile; c.9820G>A, p.Val3274Ile (NM_001164507.2, NM_001271208.2); c.9091G>A, p.Val3031Ile (NM_004543.5); short protein forms V3031I, V3274I.
Identifiers: ClinVar variation 497736 (VCV000497736.15), dbSNP rs201288341, ClinGen allele CA1909195.

ClinVar aggregate classification (germline): Conflicting classifications of pathogenicity. Review status: criteria provided, conflicting classifications (1 of 4 stars). 6 submissions from 6 submitters: Uncertain significance (5); Benign (1). Last evaluated 2025-12-26.

Conditions:
Nemaline myopathy 2 (NEM2). Also called: Nemaline myopathy 2, autosomal recessive. Identifiers: MedGen C1850569, MONDO:0009725, OMIM 256030.

Allele frequency attached by ClinVar (database versions not stated): gnomAD exomes 0.00004 and 0.00008; ExAC 0.00011; 1000 Genomes Project 30x 0.00016; 1000 Genomes Project 0.00020; gnomAD 0.00038 and 0.00040; TOPMed 0.00040; ESP Exome Variant Server 0.00049.
gnomAD v4.1: 118 of 1,612,596 alleles (0.0073%); highest among the groups gnomAD compares: African/African-American, 0.11%; no homozygotes.

Submissions (6):

Labcorp Genetics (formerly Invitae), Labcorp
Classification: Benign for Nemaline myopathy 2. Last evaluated: 2025-12-26. Review status: criteria provided, single submitter. Criteria: Invitae Variant Classification Sherloc (09022015). Collection method: clinical testing. Allele origin: germline.

Mayo Clinic Laboratories, Mayo Clinic
Classification: Uncertain significance. Last evaluated: 2025-06-07. Review status: criteria provided, single submitter. Criteria: ACMG Guidelines, 2015. Collection method: clinical testing. Allele origin: germline. Observed: 2 variant alleles.
Comment: BP4_moderate

Revvity Omics, Revvity
Classification: Uncertain significance. Last evaluated: 2024-04-05. Review status: criteria provided, single submitter. Criteria: ACMG Guidelines, 2015. Collection method: clinical testing. Allele origin: germline.

GeneDx
Classification: Uncertain significance. Last evaluated: 2019-07-08. Review status: criteria provided, single submitter. Criteria: GeneDx Variant Classification Process June 2021. Collection method: clinical testing. Allele origin: germline. Affected: yes.
Comment: In silico analysis, which includes protein predictors and evolutionary conservation, supports that this variant does not alter protein structure/function; Has not been previously published as pathogenic or benign to our knowledge

Eurofins Ntd Llc (ga)
Classification: Uncertain significance. Last evaluated: 2016-10-21. Review status: criteria provided, single submitter. Criteria: EGL Classification Definitions 2015. Collection method: clinical testing. Allele origin: germline. Observed: 1 variant allele, 1 heterozygote.

Breakthrough Genomics
Classification: Uncertain significance. Review status: criteria provided, single submitter. Criteria: ACMG Guidelines, 2015. Collection method: not provided. Allele origin: germline. Inheritance: Autosomal recessive inheritance. Affected: yes.